The following is an entry in ClinVar:

ClinVar aggregate classification (germline): Pathogenic (1 of 4 stars; one submission).

Conditions:
Curry-Hall syndrome (WAD). Also called: WEYERS ACRODENTAL DYSOSTOSIS. Identifiers: Orphanet 952, MedGen C0457013, MONDO:0008673, OMIM 193530.
Ellis-van Creveld syndrome (EVC). Also called: EVC-Related Ellis-van Creveld Syndrome; EVC2-Related Ellis-van Creveld Syndrome; MESOECTODERMAL DYSPLASIA; Chondroectodermal dysplasia. Identifiers: Orphanet 289, MedGen C0013903, MONDO:0009162, OMIM 225500.

Submission:

Labcorp Genetics (formerly Invitae), Labcorp
Classification: Pathogenic for Curry-Hall syndrome; Ellis-van Creveld syndrome. Last evaluated: 2023-06-05. Review status: criteria provided, single submitter. Criteria: Invitae Variant Classification Sherloc (09022015). Collection method: clinical testing. Allele origin: germline.
Comment: Algorithms developed to predict the effect of sequence changes on RNA splicing suggest that this variant may disrupt the consensus splice site. This variant has not been reported in the literature in individuals affected with EVC2-related conditions. This variant is not present in population databases (gnomAD no frequency). This sequence change creates a premature translational stop signal (p.Gln378*) in the EVC2 gene. It is expected to result in an absent or disrupted protein product. Loss-of-function variants in EVC2 are known to be pathogenic (PMID: 17024374, 19810119, 19876929). For these reasons, this variant has been classified as Pathogenic.

Literature cited by the submitters: PubMed 17024374; PubMed 19810119; PubMed 19876929.

NM_147127.5(EVC2):c.1132C>T (p.Gln378Ter)

Gene: EVC2 (EvC ciliary complex subunit 2; minus strand). Cytogenetic location: 4p16.2.
Variant type: single nucleotide variant.
Coding change: c.1132C>T on transcript NM_147127.5 (MANE Select); coding-DNA position 1132, C replaced by T.
Protein change: p.Gln378Ter; replaces glutamine 378 with a stop codon.
Molecular consequence: nonsense.
Genome position (GRCh38, 1-based): chr4:5,663,120, G>A on the plus strand (C>T on the coding strand, the complement: EVC2 is on the minus strand). VCF-style: chr4-5663120-G-A. GRCh37 (hg19) VCF-style: chr4-5664847-G-A.
Other names: c.892C>T, p.Gln298Ter (NM_001166136.2); short protein forms Q298*, Q378*.
Identifiers: ClinVar variation 2948582 (VCV002948582.3), dbSNP rs184703595, ClinGen allele CA356141487.